The following is an entry in ClinVar:

NM_006767.4(LZTR1):c.2401A>C (p.Thr801Pro)

Gene: LZTR1 (leucine zipper like post translational regulator 1; plus strand). Cytogenetic location: 22q11.21.
Variant type: single nucleotide variant.
Coding change: c.2401A>C on transcript NM_006767.4 (MANE Select); coding-DNA position 2401, A replaced by C.
Protein change: p.Thr801Pro; replaces threonine 801 with proline.
Molecular consequence: missense variant.
Genome position (GRCh38, 1-based): chr22:20,996,961, A>C. VCF-style: chr22-20996961-A-C. GRCh37 (hg19) VCF-style: chr22-21351250-A-C.
Other names: short protein forms T801P.
Identifiers: ClinVar variation 1319822 (VCV001319822.8), dbSNP rs1215965010, ClinGen allele CA410781261.

ClinVar aggregate classification (germline): Uncertain significance. Review status: criteria provided, multiple submitters, no conflicts (2 of 4 stars). 5 submissions from 5 submitters: Uncertain significance (5). Last evaluated 2025-09-22.

Conditions:
LZTR1-related schwannomatosis. Also called: Schwannomatosis-2, susceptibility to; Schwannomatosis 2. Identifiers: Orphanet 93921, MedGen C3810283, MONDO:0014299, OMIM 615670.
Noonan syndrome 2 (NS2). Identifiers: Orphanet 648, MedGen C1854469, MONDO:0011531, OMIM 605275.
Noonan syndrome 10 (NS10). Identifiers: Orphanet 648, MedGen C4225280, MONDO:0014693, OMIM 616564.
Hereditary cancer-predisposing syndrome. Also called: Hereditary neoplastic syndrome; Neoplastic Syndromes, Hereditary; Tumor predisposition; Hereditary Cancer Syndrome. Identifiers: Orphanet 140162, MedGen C0027672, MeSH D009386, MONDO:0015356.
Cardiovascular phenotype. Identifiers: MedGen CN230736.

Allele frequency attached by ClinVar (database versions not stated): gnomAD exomes below 0.00001; TOPMed 0.00002; gnomAD 0.00003.
gnomAD v4.1: 11 of 1,613,612 alleles (0.00068%); highest among the groups gnomAD compares: Non-Finnish European, 0.00093%; no homozygotes.

Submissions (5):

Ambry Genetics
Classification: Uncertain significance for Cardiovascular phenotype; Hereditary cancer-predisposing syndrome. Last evaluated: 2025-09-22. Review status: criteria provided, single submitter. Criteria: Ambry Variant Classification Scheme 2023. Collection method: clinical testing. Allele origin: germline.
Comment: The p.T801P variant (also known as c.2401A>C), located in coding exon 20 of the LZTR1 gene, results from an A to C substitution at nucleotide position 2401. The threonine at codon 801 is replaced by proline, an amino acid with highly similar properties. This amino acid position is well conserved in available vertebrate species. In addition, the in silico prediction for this alteration is inconclusive. Since supporting evidence is limited at this time, the clinical significance of this alteration remains unclear.

Fulgent Genetics
Classification: Uncertain significance for Noonan syndrome 2; LZTR1-related schwannomatosis; Noonan syndrome 10. Last evaluated: 2024-05-31. Review status: criteria provided, single submitter. Criteria: ACMG Guidelines, 2015. Collection method: clinical testing. Allele origin: germline.

Labcorp Genetics (formerly Invitae), Labcorp
Classification: Uncertain significance. Last evaluated: 2024-01-08. Review status: criteria provided, single submitter. Criteria: Invitae Variant Classification Sherloc (09022015). Collection method: clinical testing. Allele origin: germline.
Comment: This sequence change replaces threonine, which is neutral and polar, with proline, which is neutral and non-polar, at codon 801 of the LZTR1 protein (p.Thr801Pro). This variant is present in population databases (no rsID available, gnomAD 0.0009%). This variant has not been reported in the literature in individuals affected with LZTR1-related conditions. ClinVar contains an entry for this variant (Variation ID: 1319822). Advanced modeling of protein sequence and biophysical properties (such as structural, functional, and spatial information, amino acid conservation, physicochemical variation, residue mobility, and thermodynamic stability) performed at Invitae indicates that this missense variant is not expected to disrupt LZTR1 protein function with a negative predictive value of 80%. In summary, the available evidence is currently insufficient to determine the role of this variant in disease. Therefore, it has been classified as a Variant of Uncertain Significance.

GeneDx
Classification: Uncertain significance. Last evaluated: 2023-03-27. Review status: criteria provided, single submitter. Criteria: GeneDx Variant Classification Process June 2021. Collection method: clinical testing. Allele origin: germline. Affected: yes.
Comment: Not observed at significant frequency in large population cohorts (gnomAD); In silico analysis supports that this missense variant does not alter protein structure/function; Has not been previously published as pathogenic or benign to our knowledge

Institute for Clinical Genetics, University Hospital TU Dresden, University Hospital TU Dresden
Classification: Uncertain significance. Last evaluated: 2021-11-03. Review status: criteria provided, single submitter. Criteria: ACMG Guidelines, 2015. Collection method: clinical testing. Allele origin: germline.